The following is an entry in ClinVar:

ClinVar aggregate classification (germline): Uncertain significance (1 of 4 stars; one submission).

Conditions:
Hereditary breast ovarian cancer syndrome. Also called: Hereditary breast and ovarian cancer syndrome; Hereditary breast and ovarian cancer syndrome (HBOC); BRCA1- and BRCA2-Associated Hereditary Breast and Ovarian Cancer; Hereditary breast and ovarian cancer; Breast and ovarian cancer; Hereditary breast and/or ovarian cancer syndrome. Identifiers: Orphanet 145, MedGen C0677776, MeSH D061325, MONDO:0003582. Disease mechanism: loss of function.

Submission:

Labcorp Genetics (formerly Invitae), Labcorp
Classification: Uncertain significance for Hereditary breast ovarian cancer syndrome. Last evaluated: 2024-03-07. Review status: criteria provided, single submitter. Criteria: Invitae Variant Classification Sherloc (09022015). Collection method: clinical testing. Allele origin: germline.
Comment: This sequence change replaces serine, which is neutral and polar, with phenylalanine, which is neutral and non-polar, at codon 1379 of the BRCA1 protein (p.Ser1379Phe). This variant is not present in population databases (gnomAD no frequency). This variant has not been reported in the literature in individuals affected with BRCA1-related conditions. Advanced modeling of protein sequence and biophysical properties (such as structural, functional, and spatial information, amino acid conservation, physicochemical variation, residue mobility, and thermodynamic stability) performed at Invitae indicates that this missense variant is not expected to disrupt BRCA1 protein function with a negative predictive value of 95%. In summary, the available evidence is currently insufficient to determine the role of this variant in disease. Therefore, it has been classified as a Variant of Uncertain Significance.

NM_007294.4(BRCA1):c.4136C>T (p.Ser1379Phe)

Gene: BRCA1 (BRCA1 DNA repair associated; minus strand). Cytogenetic location: 17q21.31.
Variant type: single nucleotide variant.
Coding change: c.4136C>T on transcript NM_007294.4 (MANE Select); coding-DNA position 4136, C replaced by T.
Protein change: p.Ser1379Phe; replaces serine 1379 with phenylalanine.
Molecular consequence: missense variant.
Genome position (GRCh38, 1-based): chr17:43,090,993, G>A on the plus strand (C>T on the coding strand, the complement: BRCA1 is on the minus strand). VCF-style: chr17-43090993-G-A. GRCh37 (hg19) VCF-style: chr17-41243010-G-A.
Other names: c.686C>T, p.Ser229Phe (NM_001408452.1, NM_001408453.1, NM_001408454.1 and 11 more transcripts); c.4136C>T, p.Ser1379Phe (NM_001407617.1, NM_001407618.1, NM_001407619.1 and 30 more transcripts); c.683C>T, p.Ser228Phe (NM_001408462.1, NM_001408463.1, NM_001408464.1 and 3 more transcripts); c.4133C>T, p.Ser1378Phe (NM_001407627.1, NM_001407628.1, NM_001407629.1 and 22 more transcripts); c.3923C>T, p.Ser1308Phe (NM_001407571.1, NM_001407853.1, NM_001407894.1 and 9 more transcripts); c.4127C>T, p.Ser1376Phe (NM_001407646.1, NM_001407647.1); c.4013C>T, p.Ser1338Phe (NM_001407648.1, NM_001407664.1, NM_001407665.1 and 19 more transcripts); c.4010C>T, p.Ser1337Phe (NM_001407649.1, NM_001407670.1, NM_001407671.1 and 11 more transcripts); and 41 more; short protein forms S1251F, S1291F, S1331F, S1338F, S1379F, S195F, S229F, S235F.
Identifiers: ClinVar variation 3634642 (VCV003634642.2).
Genomic context (GRCh38, chr17:43,090,993, plus strand): 5'-ACGCTTTTTACCTGAGTGGTTAAAATGTCACTCTGAGAGGATAGCCCTGAGCAGTCTTCA[G>A]AGACGCTTGTTTCACTCTCACACCCAGATGCTGCTTCACCTTAAATAACAAAAACAGAGG-3'
Protein context (NP_009225.1, residues 1369-1389): ASGCESETSV[Ser1379Phe]EDCSGLSSQS